The following is an entry in ClinVar:

NM_002976.4(SCN7A):c.2867T>C (p.Ile956Thr)

Gene: SCN7A (sodium voltage-gated channel alpha subunit 7; minus strand). Cytogenetic location: 2q24.3.
Variant type: single nucleotide variant.
Coding change: c.2867T>C on transcript NM_002976.4 (MANE Select); coding-DNA position 2867, T replaced by C.
Protein change: p.Ile956Thr; replaces isoleucine 956 with threonine.
Molecular consequence: missense variant. On other transcripts: non-coding transcript variant (1).
Genome position (GRCh38, 1-based): chr2:166,423,419, A>G on the plus strand (T>C on the coding strand, the complement: SCN7A is on the minus strand). VCF-style: chr2-166423419-A-G. GRCh37 (hg19) VCF-style: chr2-167279929-A-G.
Other names: short protein forms I956T.
Identifiers: ClinVar variation 734296 (VCV000734296.6), dbSNP rs372701938, ClinGen allele CA1945358.

ClinVar aggregate classification (germline): Likely benign. Review status: criteria provided, multiple submitters, no conflicts (2 of 4 stars). 3 submissions from 3 submitters: Likely benign (2). 1 of the submissions does not count toward it. Last evaluated 2018-01-12.

Conditions:
SCN7A-related disorder. Also called: SCN7A-related condition.

Allele frequency attached by ClinVar (database versions not stated): ESP Exome Variant Server 0.00017; gnomAD 0.00017 and 0.00030; TOPMed 0.00017; gnomAD exomes 0.00076; 1000 Genomes Project 30x 0.00094; 1000 Genomes Project 0.00100; ExAC 0.00122.
gnomAD v4.1: 707 of 1,556,752 alleles (0.045%); highest among the groups gnomAD compares: Middle Eastern, 0.64%; 6 homozygotes.

Submissions (3):

Labcorp Genetics (formerly Invitae), Labcorp
Classification: Likely benign. Last evaluated: 2018-01-12. Review status: criteria provided, single submitter. Criteria: Invitae Variant Classification Sherloc (09022015). Collection method: clinical testing. Allele origin: germline.

Breakthrough Genomics
Classification: Likely benign. Review status: criteria provided, single submitter. Criteria: ACMG Guidelines, 2015. Collection method: not provided. Allele origin: germline. Inheritance: Unknown mechanism. Affected: yes.

PreventionGenetics, part of Exact Sciences
Classification: Likely benign for SCN7A-related condition. Last evaluated: 2022-05-10. Review status: no assertion criteria provided. Collection method: clinical testing. Allele origin: germline. Not counted in ClinVar's aggregate classification.
Comment: This variant is classified as likely benign based on ACMG/AMP sequence variant interpretation guidelines (Richards et al. 2015 PMID: 25741868, with internal and published modifications).